The following is an entry in ClinVar:

NM_015404.4(WHRN):c.1626+8T>G

Gene: WHRN (whirlin; minus strand). Cytogenetic location: 9q32.
Variant type: single nucleotide variant.
Coding change: c.1626+8T>G on transcript NM_015404.4 (MANE Select); 8 bases into the intron after coding-DNA position 1626, T replaced by G.
Molecular consequence: intron variant.
Genome position (GRCh38, 1-based): chr9:114,423,306, A>C on the plus strand (T>G on the coding strand, the complement: WHRN is on the minus strand). VCF-style: chr9-114423306-A-C. GRCh37 (hg19) VCF-style: chr9-117185586-A-C.
Other names: c.1626+8T>G (NM_001173425.2); c.477+8T>G (NM_001083885.3); c.573+8T>G (NM_001346890.1).
Identifiers: ClinVar variation 364687 (VCV000364687.15), dbSNP rs547616329, ClinGen allele CA5205888.
Genomic context (GRCh38, chr9:114,423,306, plus strand): 5'-TCACTCCAAAGCCAGCATCTTAACTCTGCCCTGGCTACTAAGCCAGGGACAAGGCAGAAG[A>C]AGCTCACCCTGGCCGAGCTGACGGTGGTGGAGGTGCCGTGGCTGCCTGTGGATGAACCCG-3'

ClinVar aggregate classification (germline): Conflicting classifications of pathogenicity. Review status: criteria provided, conflicting classifications (1 of 4 stars). 5 submissions from 4 submitters: Uncertain significance (2); Likely benign (3). Last evaluated 2026-09-02.

Conditions:
WHRN-related disorder. Also called: WHRN-related condition.
Autosomal recessive nonsyndromic hearing loss 31. Also called: WHIRLER, MOUSE, HOMOLOG OF. Identifiers: Orphanet 90636, MedGen C1846839, MONDO:0011767, OMIM 607084.
Usher syndrome type 2D. Also called: USHER SYNDROME, TYPE IID. Identifiers: Orphanet 231178, Orphanet 886, MedGen C1568249, MONDO:0012662, OMIM 611383.

Allele frequency attached by ClinVar (database versions not stated): TOPMed 0.00002; ExAC 0.00003; gnomAD 0.00003 and 0.00004; gnomAD exomes 0.00003 and 0.00004.

Submissions (5):

PreventionGenetics, part of Exact Sciences
Classification: Likely benign for WHRN-related condition. Last evaluated: 2026-09-02. Review status: criteria provided, single submitter. Criteria: ACMG Guidelines, 2015. Collection method: clinical testing. Allele origin: germline.
Comment: This variant is classified as likely benign based on ACMG/AMP sequence variant interpretation guidelines (Richards et al. 2015 PMID: 25741868, with internal and published modifications).

Blueprint Genetics
Classification: Likely benign. Last evaluated: 2024-10-11. Review status: criteria provided, single submitter. Criteria: ACMG Guidelines, 2015. Collection method: clinical testing. Allele origin: germline.

Labcorp Genetics (formerly Invitae), Labcorp
Classification: Likely benign. Last evaluated: 2024-06-30. Review status: criteria provided, single submitter. Criteria: Invitae Variant Classification Sherloc (09022015). Collection method: clinical testing. Allele origin: germline.

Illumina Laboratory Services, Illumina
Classification: Uncertain significance for Autosomal recessive nonsyndromic hearing loss 31. Last evaluated: 2018-01-13. Review status: criteria provided, single submitter. Criteria: ICSL Variant Classification Criteria 13 December 2019. Collection method: clinical testing. Allele origin: germline.

Illumina Laboratory Services, Illumina
Classification: Uncertain significance for Usher syndrome type 2D. Last evaluated: 2018-01-13. Review status: criteria provided, single submitter. Criteria: ICSL Variant Classification Criteria 13 December 2019. Collection method: clinical testing. Allele origin: germline.